The following is an entry in ClinVar:

NM_014639.4(SKIC3):c.2516-2A>T

Gene: SKIC3 (SKI3 subunit of superkiller complex; minus strand). Cytogenetic location: 5q15.
Variant type: single nucleotide variant.
Coding change: c.2516-2A>T on transcript NM_014639.4 (MANE Select); the canonical splice acceptor site of the intron before coding-DNA position 2516, A replaced by T.
Molecular consequence: splice acceptor variant.
Genome position (GRCh38, 1-based): chr5:95,516,588, T>A on the plus strand (A>T on the coding strand, the complement: SKIC3 is on the minus strand). VCF-style: chr5-95516588-T-A. GRCh37 (hg19) VCF-style: chr5-94852292-T-A.
Identifiers: ClinVar variation 2855508 (VCV002855508.3), dbSNP rs760651701, ClinGen allele CA360457918.

ClinVar aggregate classification (germline): Likely pathogenic (1 of 4 stars; one submission).

Submission:

Labcorp Genetics (formerly Invitae), Labcorp
Classification: Likely pathogenic. Last evaluated: 2023-04-12. Review status: criteria provided, single submitter. Criteria: Invitae Variant Classification Sherloc (09022015). Collection method: clinical testing. Allele origin: germline.
Comment: In summary, the currently available evidence indicates that the variant is pathogenic, but additional data are needed to prove that conclusively. Therefore, this variant has been classified as Likely Pathogenic. Algorithms developed to predict the effect of sequence changes on RNA splicing suggest that this variant may disrupt the consensus splice site. This sequence change affects an acceptor splice site in intron 23 of the TTC37 gene. It is expected to disrupt RNA splicing. Variants that disrupt the donor or acceptor splice site typically lead to a loss of protein function (PMID: 16199547), and loss-of-function variants in TTC37 are known to be pathogenic (PMID: 20176027, 21120949). This variant is not present in population databases (gnomAD no frequency). This variant has not been reported in the literature in individuals affected with TTC37-related conditions.

Literature cited by the submitters: PubMed 16199547; PubMed 20176027; PubMed 21120949.